The following is an entry in ClinVar:

ClinVar aggregate classification (germline): Uncertain significance (1 of 4 stars; one submission).

Allele frequency attached by ClinVar (database versions not stated): gnomAD exomes 0.00001.
gnomAD v4.1: 4 of 1,614,152 alleles (0.00025%); highest among the groups gnomAD compares: Non-Finnish European, 0.00034%; no homozygotes.

Submission:

Women's Health and Genetics/Laboratory Corporation of America, LabCorp
Classification: Uncertain significance. Last evaluated: 2022-09-29. Review status: criteria provided, single submitter. Criteria: LabCorp Variant Classification Summary - May 2015. Collection method: clinical testing. Allele origin: germline.
Comment: Variant summary: CUX1 c.2786C>A (p.Pro929His) results in a non-conservative amino acid change in the encoded protein sequence. Four of five in-silico tools predict a damaging effect of the variant on protein function. The variant was absent in 250378 control chromosomes (gnomAD). The available data on variant occurrences in the general population are insufficient to allow any conclusion about variant significance. To our knowledge, no occurrence of c.2786C>A in individuals affected with Global Developmental Delay With Or Without Impaired Intellectual Development and no experimental evidence demonstrating its impact on protein function have been reported. No clinical diagnostic laboratories have submitted clinical-significance assessments for this variant to ClinVar after 2014. Based on the evidence outlined above, the variant was classified as uncertain significance.

Literature cited by the submitters: PubMed 23212519; PubMed 24316979.

NM_181552.4(CUX1):c.2753C>A (p.Pro918His)

Gene: CUX1 (cut like homeobox 1; plus strand). Cytogenetic location: 7q22.1.
Variant type: single nucleotide variant.
Coding change: c.2753C>A on transcript NM_181552.4 (MANE Select); coding-DNA position 2753, C replaced by A.
Protein change: p.Pro918His; replaces proline 918 with histidine.
Molecular consequence: missense variant. On other transcripts: intron variant (5).
Genome position (GRCh38, 1-based): chr7:102,202,050, C>A. VCF-style: chr7-102202050-C-A. GRCh37 (hg19) VCF-style: chr7-101845330-C-A.
Other names: c.2786C>A, p.Pro929His (NM_001202543.2); c.1255+6447C>A (NM_001913.5); c.1249+6447C>A (NM_181500.4); c.1117+6447C>A (NM_001202545.3); c.1207+6447C>A (NM_001202544.3); c.1138+6447C>A (NM_001202546.3); short protein forms P918H, P929H.
Identifiers: ClinVar variation 1722371 (VCV001722371.1), dbSNP rs2485471341, ClinGen allele CA368684121.